The following is an entry in ClinVar:

ClinVar aggregate classification (germline): Uncertain significance (1 of 4 stars; one submission).

Conditions:
Ichthyosis prematurity syndrome (IPS). Also called: ICHTHYOSIS CONGENITA IV. Identifiers: Orphanet 88621, MedGen C1837610, MONDO:0012089, OMIM 608649.

gnomAD v4.1: 7 of 1,611,224 alleles (0.00043%); highest among the groups gnomAD compares: South Asian, 0.0011%; no homozygotes.

Submission:

Victorian Clinical Genetics Services, Murdoch Childrens Research Institute
Classification: Uncertain significance for Ichthyosis prematurity syndrome. Last evaluated: 2026-07-19. Review status: criteria provided, single submitter. Criteria: ACMG Guidelines, 2015. Collection method: clinical testing. Allele origin: germline. Affected: yes.
Comment: This variant is classified as VUS-3A. Evidence in support of pathogenic classification: This variant is present in gnomAD <0.01 for a recessive condition (v4: 7 heterozygote(s), 0 homozygote(s)); Strong phenotype match for this individual. Additional information: This variant is predicted to result in a missense amino acid change from Arg to Trp; This variant is heterozygous; This gene is associated with autosomal recessive disease; Alternative amino acid change(s) at the same position are present in gnomAD (highest allele count: v4: 61 heterozygote(s), 0 homozygote(s)); This variant has no previous evidence of pathogenicity; No published evidence of segregation with disease has been identified for this variant; No published functional evidence has been identified for this variant; Another variant(s) comparable to the one identified in this case has inconclusive previous evidence for pathogenicity. p.(Arg547Gln) has been classified as a VUS by a clinical laboratory in ClinVar; Variant is located in the annotated AMP-binding enzyme C-terminal domain (DECIPHER); Missense variant with inconclusive in silico prediction(s) and/or uninformative conservation; Loss of function is a known mechanism of disease in this gene and is associated with ichthyosis prematurity syndrome (MIM#608649); Inheritance information for this variant is not currently available in this individual.

NM_005094.4(SLC27A4):c.1639C>T (p.Arg547Trp)

Gene: SLC27A4 (solute carrier family 27 member 4; plus strand). Cytogenetic location: 9q34.11.
Variant type: single nucleotide variant.
Coding change: c.1639C>T on transcript NM_005094.4 (MANE Select); coding-DNA position 1639, C replaced by T.
Protein change: p.Arg547Trp; replaces arginine 547 with tryptophan.
Molecular consequence: missense variant.
Genome position (GRCh38, 1-based): chr9:128,355,661, C>T. VCF-style: chr9-128355661-C-T. GRCh37 (hg19) VCF-style: chr9-131117940-C-T.
Other names: short protein forms R547W.
Identifiers: ClinVar variation 4879761 (VCV004879761.1).